The following is an entry in ClinVar:

ClinVar aggregate classification (germline): Benign. Review status: criteria provided, multiple submitters, no conflicts (2 of 4 stars). 2 submissions from 2 submitters: Benign (2). Last evaluated 2013-02-21.

Allele frequency attached by ClinVar (database versions not stated): 1000 Genomes Project 30x 0.01093; ESP Exome Variant Server 0.02425; TOPMed 0.01731; 1000 Genomes Project 0.01178; gnomAD 0.02381 and 0.02316; ExAC 0.02870.
gnomAD v4.1: 47,233 of 1,606,824 alleles (2.9%); highest among the groups gnomAD compares: Non-Finnish European, 3.3%; 894 homozygotes.

Submissions (2):

Laboratory for Molecular Medicine, Mass General Brigham Personalized Medicine
Classification: Benign. Last evaluated: 2013-02-21. Review status: criteria provided, single submitter. Criteria: LMM Criteria. Collection method: clinical testing. Allele origin: germline. Observed: 7 variant alleles.
Comment: 576+9G>T in intron 5 of MUC5B: This variant is not expected to have clinical sig nificance because it is not located within the conserved splice consensus sequen ce. It has been identified in 3.2% (268/8278) of European American chromosomes f rom a broad population by the NHLBI Exome Sequencing Project (dbSNP rs56394097).

Breakthrough Genomics
Classification: Benign. Review status: criteria provided, single submitter. Criteria: ACMG Guidelines, 2015. Collection method: not provided. Allele origin: germline. Inheritance: Autosomal dominant inheritance. Affected: yes.

NM_002458.3(MUC5B):c.576+9G>T

Gene: MUC5B (mucin 5B, oligomeric mucus/gel-forming; plus strand). Cytogenetic location: 11p15.5.
Variant type: single nucleotide variant.
Coding change: c.576+9G>T on transcript NM_002458.3 (MANE Select); 9 bases into the intron after coding-DNA position 576, G replaced by T.
Molecular consequence: intron variant.
Genome position (GRCh38, 1-based): chr11:1,227,154, G>T. VCF-style: chr11-1227154-G-T. GRCh37 (hg19) VCF-style: chr11-1248384-G-T.
Identifiers: ClinVar variation 163994 (VCV000163994.5), dbSNP rs56394097, ClinGen allele CA176753.
Genomic context (GRCh38, chr11:1,227,154, plus strand): 5'-CAGCATCCGGCTGGTGCTGACATTCCTGTGGAACGGAGAGGACAGTGCCCTGGTGAGGAA[G>T]CCCCCTCGCCCCTTGCCCCTTCAGGCCTGGCCACAAAACCCCCACCGGGGGTCGAGGGAT-3'